The following is an entry in ClinVar:

NM_000138.5(FBN1):c.4172G>A (p.Cys1391Tyr)

Gene: FBN1 (fibrillin 1; minus strand). Cytogenetic location: 15q21.1.
Variant type: single nucleotide variant.
Coding change: c.4172G>A on transcript NM_000138.5 (MANE Select); coding-DNA position 4172, G replaced by A.
Protein change: p.Cys1391Tyr; replaces cysteine 1391 with tyrosine.
Molecular consequence: missense variant.
Genome position (GRCh38, 1-based): chr15:48,474,293, C>T on the plus strand (G>A on the coding strand, the complement: FBN1 is on the minus strand). VCF-style: chr15-48474293-C-T. GRCh37 (hg19) VCF-style: chr15-48766490-C-T.
Other names: short protein forms C1391Y.
Identifiers: ClinVar variation 565385 (VCV000565385.14), dbSNP rs1352478541, ClinGen allele CA392320130.

ClinVar aggregate classification (germline): Pathogenic/Likely pathogenic. Review status: criteria provided, multiple submitters, no conflicts (2 of 4 stars). 7 submissions from 7 submitters: Pathogenic (2); Likely pathogenic (5). Last evaluated 2025-05-15.

Conditions:
Marfan syndrome (MFS). Also called: FBN1-Related Marfan Syndrome; Marfan syndrome type 1; Marfan's syndrome; Marfan syndrome, classic; MARFAN SYNDROME, TYPE I. Identifiers: Orphanet 284963, Orphanet 558, MedGen C0024796, MONDO:0007947, OMIM 154700.
Marfan Syndrome/Loeys-Dietz Syndrome/Familial Thoracic Aortic Aneurysms and Dissections. Identifiers: MedGen CN229799.
Familial thoracic aortic aneurysm and aortic dissection (TAAD). Also called: Thoracic aortic aneurysms and dissections. Identifiers: Orphanet 91387, MedGen C4707243, MONDO:0019625.
FBN1-related disorder. Also called: FBN1-related disorders.

Submissions (7):

3billion
Classification: Likely pathogenic for Marfan syndrome. Last evaluated: 2025-05-15. Review status: criteria provided, single submitter. Criteria: ACMG Guidelines, 2015. Collection method: clinical testing. Allele origin: germline. Affected: yes.
Comment: The variant is not observed in the gnomAD v4.1.0 dataset. Predicted Consequence/Location: Missense variant In silico tool predictions suggest damaging effect of the variant on gene or gene product [REVEL: 0.96 (>=0.6, sensitivity 0.68 and specificity 0.92)]. The same nucleotide change resulting in the same amino acid change has been previously reported as pathogenic/likely pathogenic with strong evidence (ClinVar ID: VCV000565385 /PMID: 27906200). Different missense changes at the same codon (p.Cys1391Arg, p.Cys1391Phe) have been reported to be associated with FBN1-related disorder (ClinVar ID: VCV000500066 /PMID: 19012347, 33059708). Therefore, this variant is classified as Likely pathogenic according to the recommendation of ACMG/AMP guideline.

GeneDx
Classification: Likely pathogenic. Last evaluated: 2025-01-14. Review status: criteria provided, single submitter. Criteria: GeneDx Variant Classification Process June 2021. Collection method: clinical testing. Allele origin: germline. Affected: yes.
Comment: Has been reported in an individual with Marfan syndrome who also carried a p.(R215*) pathogenic variant in the FBN1 gene (PMID: 27234404); Not observed at significant frequency in large population cohorts (gnomAD); In silico analysis supports that this missense variant has a deleterious effect on protein structure/function; Affects a cysteine residue within an EGF-like domain of the FBN1 gene, which may affect disulfide bonding and is predicted to alter the structure and function of the protein; cysteine substitutions in the EGF-like domains represent the majority of pathogenic missense changes associated with FBN1-related disorders (PMID: 12938084); This variant is associated with the following publications: (PMID: 26582918, 27234404, 38190127, 10486319, 27906200)

Ambry Genetics
Classification: Likely pathogenic for Familial thoracic aortic aneurysm and aortic dissection. Last evaluated: 2024-12-18. Review status: criteria provided, single submitter. Criteria: Ambry Variant Classification Scheme 2023. Collection method: clinical testing. Allele origin: germline.
Comment: The p.C1391Y variant (also known as c.4172G>A), located in coding exon 33 of the FBN1 gene, results from a G to A substitution at nucleotide position 4172. The cysteine at codon 1391 is replaced by tyrosine, an amino acid with highly dissimilar properties. This variant was reported in individual(s) with features consistent with Marfan syndrome (Guo D et al. Invest Ophthalmol Vis Sci, 2024 Jan;65:20). The majority of FBN1 mutations identified to date have involved the substitution or generation of cysteine residues within cbEGF domains (Vollbrandt T et al. J Biol Chem. 2004;279(31):32924-32931). Internal structural analysis indicates this alteration eliminates a disulfide bond critical for the structural integrity of the cbEGF19 domain (Ambry internal data). This amino acid position is highly conserved in available vertebrate species. In addition, this alteration is predicted to be deleterious by in silico analysis. This variant is considered to be rare based on population cohorts in the Genome Aggregation Database (gnomAD). Based on the majority of available evidence to date, this variant is likely to be pathogenic.

PreventionGenetics, part of Exact Sciences
Classification: Likely pathogenic for FBN1-related condition. Last evaluated: 2024-11-14. Review status: criteria provided, single submitter. Criteria: ACMG Guidelines, 2015. Collection method: clinical testing. Allele origin: germline.
Comment: The FBN1 c.4172G>A variant is predicted to result in the amino acid substitution p.Cys1391Tyr. This variant has been reported in an individual with Marfan syndrome, however along with a nonsense variant in FBN1 (Yang et al. 2016. PubMed ID: 27234404) and was also reported in an individual with ectopia lentis (Table S1, Guo et al. 2024. PubMed ID: 38190127). According to one submitter in ClinVar, this variant was observed internally in an individual with clinical features of Marfan syndrome. This variant has not been reported in a large population database (gnomAD), indicating this variant is rare. Missense variants in FBN1 that create or destroy a cysteine residue are documented to cause Marfan syndrome (Deitz PubMed ID: 20301510; Comeglio et al. 2007. PubMed ID: 17657824; Stheneur et al. 2009. PubMed ID: 19293843). For example, different missense changes impacting the same amino acid (p.Cys1391Arg, p.Cys1391Phe) have also been reported in individuals undergoing testing for Marfan syndrome (Stengl et al. 2020. PubMed ID: 33059708; Rybczynski et al. 2008. PubMed ID: 19012347). Given the evidence, the c.4172G>A (p.Cys1391Tyr) variant is interpreted as likely pathogenic.

Women's Health and Genetics/Laboratory Corporation of America, LabCorp
Classification: Pathogenic for Marfan Syndrome/Loeys-Dietz Syndrome/Familial Thoracic Aortic Aneurysms and Dissections. Last evaluated: 2023-03-07. Review status: criteria provided, single submitter. Criteria: LabCorp Variant Classification Summary - May 2015. Collection method: clinical testing. Allele origin: germline.
Comment: Variant summary: FBN1 c.4172G>A (p.Cys1391Tyr) results in a non-conservative amino acid change located in the EGF-like domain of the encoded protein sequence. Five of five in-silico tools predict a damaging effect of the variant on protein function. The variant was absent in 251348 control chromosomes. c.4172G>A has been reported in the literature in individuals affected with Marfan Syndrome. These data indicate that the variant may be associated with disease. To our knowledge, no experimental evidence demonstrating an impact on protein function has been reported. One clinical diagnostic laboratory has submitted clinical-significance assessments for this variant to ClinVar after 2014 without evidence for independent evaluation and classified the variant as pathogenic. Based on the evidence outlined above, the variant was classified as pathogenic.

Blueprint Genetics
Classification: Likely pathogenic for FBN1-related disorders. Last evaluated: 2020-03-05. Review status: criteria provided, single submitter. Criteria: ACMG Guidelines, 2015. Collection method: clinical testing. Allele origin: germline. Affected: yes. Observed: 1 variant allele.

Labcorp Genetics (formerly Invitae), Labcorp
Classification: Pathogenic for Marfan syndrome; Familial thoracic aortic aneurysm and aortic dissection. Last evaluated: 2020-02-29. Review status: criteria provided, single submitter. Criteria: Invitae Variant Classification Sherloc (09022015). Collection method: clinical testing. Allele origin: germline.
Comment: This variant has been observed in individual(s) with Marfan syndrome (PMID: 27234404, 27906200, Invitae). In one of these individuals the variant was observed with another pathogenic variant in FBN1. Algorithms developed to predict the effect of missense changes on protein structure and function (SIFT, PolyPhen-2, Align-GVGD) all suggest that this variant is likely to be disruptive, but these predictions have not been confirmed by published functional studies and their clinical significance is uncertain. This variant disrupts the p.Cys1391 amino acid residue in FBN1. Other variant(s) that disrupt this residue have been observed in individuals with FBN1-related conditions (PMID: 19012347), which suggests that this may be a clinically significant amino acid residue. This variant affects a cysteine residue in the EGF-like, TGFBP or hybrid motif domains of FBN1. Cysteine residues are believed to be involved in intramolecular disulfide bridges and have been shown to be important for FBN1 protein structure (PMID: 16905551, 19349279). In addition, missense substitutions affecting cysteine residues within these domains are significantly overrepresented among patients with Marfan syndrome (PMID: 16571647, 17701892). For these reasons, this variant has been classified as Pathogenic. This variant is not present in population databases (ExAC no frequency). This sequence change replaces cysteine with tyrosine at codon 1391 of the FBN1 protein (p.Cys1391Tyr). The cysteine residue is highly conserved and there is a large physicochemical difference between cysteine and tyrosine.

Literature cited by the submitters: PubMed 19012347 (cited by 3billion and Labcorp Genetics (formerly Invitae), Labcorp); PubMed 27906200 (cited by 3 submitters); PubMed 38190127 (cited by Ambry Genetics); PubMed 27234404 (cited by Women's Health and Genetics/Laboratory Corporation of America, LabCorp and Labcorp Genetics (formerly Invitae), Labcorp); PubMed 33844962 (cited by Women's Health and Genetics/Laboratory Corporation of America, LabCorp); PubMed 16905551 (cited by Labcorp Genetics (formerly Invitae), Labcorp); PubMed 19349279 (cited by Labcorp Genetics (formerly Invitae), Labcorp); PubMed 16571647 (cited by Labcorp Genetics (formerly Invitae), Labcorp); PubMed 17701892 (cited by Labcorp Genetics (formerly Invitae), Labcorp).